The following is an entry in ClinVar:

ClinVar aggregate classification (germline): Uncertain significance (1 of 4 stars; one submission).

Submission:

Labcorp Genetics (formerly Invitae), Labcorp
Classification: Uncertain significance. Last evaluated: 2025-03-20. Review status: criteria provided, single submitter. Criteria: Invitae Variant Classification Sherloc (09022015). Collection method: clinical testing. Allele origin: germline.
Comment: This sequence change replaces aspartic acid, which is acidic and polar, with asparagine, which is neutral and polar, at codon 3162 of the UNC80 protein (p.Asp3162Asn). This variant is not present in population databases (gnomAD no frequency). This variant has not been reported in the literature in individuals affected with UNC80-related conditions. Invitae Evidence Modeling of protein sequence and biophysical properties (such as structural, functional, and spatial information, amino acid conservation, physicochemical variation, residue mobility, and thermodynamic stability) indicates that this missense variant is not expected to disrupt UNC80 protein function with a negative predictive value of 80%. In summary, the available evidence is currently insufficient to determine the role of this variant in disease. Therefore, it has been classified as a Variant of Uncertain Significance.

NM_001371986.1(UNC80):c.9682G>A (p.Asp3228Asn)

Gene: UNC80 (unc-80 subunit of NALCN channel complex; plus strand). Cytogenetic location: 2q34.
Variant type: single nucleotide variant.
Coding change: c.9682G>A on transcript NM_001371986.1 (MANE Select); coding-DNA position 9682, G replaced by A.
Protein change: p.Asp3228Asn; replaces aspartic acid 3228 with asparagine.
Molecular consequence: missense variant.
Genome position (GRCh38, 1-based): chr2:209,994,238, G>A. VCF-style: chr2-209994238-G-A. GRCh37 (hg19) VCF-style: chr2-210858962-G-A.
Other names: c.9484G>A, p.Asp3162Asn (NM_032504.2); c.9412G>A, p.Asp3138Asn (NM_182587.4); short protein forms D3138N, D3162N, D3228N.
Identifiers: ClinVar variation 3648451 (VCV003648451.2).